The following is an entry in ClinVar:

ClinVar aggregate classification (germline): Conflicting classifications of pathogenicity. Review status: criteria provided, conflicting classifications (1 of 4 stars). 7 submissions from 7 submitters: Uncertain significance (2); Benign (1); Likely benign (4). Last evaluated 2026-06-17.

Conditions:
Inborn genetic diseases. Identifiers: MedGen C0950123, MeSH D030342.
Autosomal dominant nonsyndromic hearing loss 4A. Also called: Deafness, autosomal dominant 4A. Identifiers: Orphanet 90635, MedGen C1833503, MONDO:0010915, OMIM 600652.

Allele frequency attached by ClinVar (database versions not stated): gnomAD 0.00006; TOPMed 0.00010; ESP Exome Variant Server 0.00016; gnomAD exomes 0.00039 and 0.00064; ExAC 0.00062; 1000 Genomes Project 0.00140; 1000 Genomes Project 30x 0.00141.
gnomAD v4.1: 625 of 1,613,510 alleles (0.039%); highest among the groups gnomAD compares: South Asian, 0.45%; 4 homozygotes.

Submissions (7):

Women's Health and Genetics/Laboratory Corporation of America, LabCorp
Classification: Likely benign. Last evaluated: 2026-06-17. Review status: criteria provided, single submitter. Criteria: LabCorp Variant Classification Summary - May 2015. Collection method: clinical testing. Allele origin: germline.

CeGaT Center for Human Genetics Tuebingen
Classification: Likely benign. Last evaluated: 2026-03-01. Review status: criteria provided, single submitter. Criteria: CeGaT Center For Human Genetics Tuebingen Variant Classification Criteria Version 2. Collection method: clinical testing. Allele origin: germline. Affected: yes. Observed: 1 variant allele.
Comment: MYH14: PP3, BS1

Labcorp Genetics (formerly Invitae), Labcorp
Classification: Benign. Last evaluated: 2025-12-25. Review status: criteria provided, single submitter. Criteria: Invitae Variant Classification Sherloc (09022015). Collection method: clinical testing. Allele origin: germline.

Blueprint Genetics
Classification: Likely benign. Last evaluated: 2024-11-25. Review status: criteria provided, single submitter. Criteria: ACMG Guidelines, 2015. Collection method: clinical testing. Allele origin: germline.

Ambry Genetics
Classification: Uncertain significance for Inborn genetic diseases. Last evaluated: 2023-06-27. Review status: criteria provided, single submitter. Criteria: Ambry Variant Classification Scheme 2023. Collection method: clinical testing. Allele origin: germline.

Illumina Laboratory Services, Illumina
Classification: Likely benign for Autosomal dominant nonsyndromic hearing loss 4A. Last evaluated: 2018-01-12. Review status: criteria provided, single submitter. Criteria: ICSL Variant Classification Criteria 13 December 2019. Collection method: clinical testing. Allele origin: germline.
Comment: This variant was observed in the ICSL laboratory as part of a predisposition screen in an ostensibly healthy population. It had not been previously curated by ICSL or reported in the Human Gene Mutation Database (HGMD: prior to June 1st, 2018), and was therefore a candidate for classification through an automated scoring system. Utilizing variant allele frequency, disease prevalence and penetrance estimates, and inheritance mode, an automated score was calculated to assess if this variant is too frequent to cause the disease. Based on the score and internal cut-off values, a variant classified as likely benign is not then subjected to further curation. The score for this variant resulted in a classification of likely benign for this disease.

Laboratory for Molecular Medicine, Mass General Brigham Personalized Medicine
Classification: Uncertain significance. Last evaluated: 2014-02-04. Review status: criteria provided, single submitter. Criteria: LMM Criteria. Collection method: clinical testing. Allele origin: germline. Observed: 1 variant allele.
Comment: The Arg189Cys variant in MYH14 has not been previously reported in individuals w ith hearing loss, but has been identified in 0.02% (2/8386) of European American chromosomes by the NHLBI Exome Sequencing Project (/EVS/; dbSNP rs200818171). Although this variant has been seen in the general po pulation, its frequency is not high enough to rule out a pathogenic role. Comput ational prediction tools and conservation analyses suggest that the Arg189Cys va riant may impact the protein, though this information is not predictive enough t o determine pathogenicity. In summary, additional information is needed to deter mine the clinical significance of this variant.

NM_001145809.2(MYH14):c.565C>T (p.Arg189Cys)

Gene: MYH14 (myosin heavy chain 14; plus strand). Cytogenetic location: 19q13.33.
Variant type: single nucleotide variant.
Coding change: c.565C>T on transcript NM_001145809.2 (MANE Select); coding-DNA position 565, C replaced by T.
Protein change: p.Arg189Cys; replaces arginine 189 with cysteine.
Molecular consequence: missense variant.
Genome position (GRCh38, 1-based): chr19:50,223,085, C>T. VCF-style: chr19-50223085-C-T. GRCh37 (hg19) VCF-style: chr19-50726342-C-T.
Other names: c.565C>T, p.Arg189Cys (NM_001077186.2, NM_024729.4); short protein forms R189C.
Identifiers: ClinVar variation 178411 (VCV000178411.25), dbSNP rs200818171, ClinGen allele CA182274.